The following is an entry in ClinVar:

NM_001165963.4(SCN1A):c.5600T>A (p.Ile1867Asn)

Genes: SCN1A (sodium voltage-gated channel alpha subunit 1; minus strand), LOC102724058 (uncharacterized LOC102724058; plus strand). Cytogenetic location: 2q24.3.
Variant type: single nucleotide variant.
Coding change: c.5600T>A on transcript NM_001165963.4 (MANE Select); coding-DNA position 5600, T replaced by A.
Protein change: p.Ile1867Asn; replaces isoleucine 1867 with asparagine.
Molecular consequence: missense variant. On other transcripts: non-coding transcript variant (1).
Genome position (GRCh38, 1-based): chr2:165,991,675, A>T on the plus strand (T>A on the coding strand, the complement: SCN1A is on the minus strand). VCF-style: chr2-165991675-A-T. GRCh37 (hg19) VCF-style: chr2-166848185-A-T.
Other names: c.5516T>A, p.Ile1839Asn (NM_001165964.3, NM_001353957.2, NM_001353958.2); c.5600T>A, p.Ile1867Asn (NM_001202435.3, NM_001353948.2); c.5567T>A, p.Ile1856Asn (NM_001353949.2, NM_001353950.2, NM_001353951.2 and 2 more transcripts); c.5564T>A, p.Ile1855Asn (NM_001353954.2, NM_001353955.2); c.5513T>A, p.Ile1838Asn (NM_001353960.2); c.3158T>A, p.Ile1053Asn (NM_001353961.2); short protein forms I1053N, I1838N, I1839N, I1855N, I1856N, I1867N.
Identifiers: ClinVar variation 1343886 (VCV001343886.3), dbSNP rs1131691773, ClinGen allele CA349065252.
Genomic context (GRCh38, chr2:165,991,675, plus strand): 5'-ATTCGTAGAGCATCCATCTCTCCACTCTCTCCTAGAACCCGCTTTGTAAAAGCAAATAAG[A>T]TATCAAGACAGTGGATCCGGTCACCACTCACCATGGGCAAATCCATGGCAATGAGCTGGA-3'
Protein context (NP_001159435.1, residues 1857-1877): VSGDRIHCLD[Ile1867Asn]LFAFTKRVLG

ClinVar aggregate classification (germline): Likely pathogenic. Review status: criteria provided, multiple submitters, no conflicts (2 of 4 stars). 2 submissions from 2 submitters: Likely pathogenic (2). Last evaluated 2024-11-19.

Conditions:
SCN1A-related disorder. Also called: SCN1A-related disorders; SCN1A-related conditions; SCN1A-related condition.

Submissions (2):

3billion
Classification: Likely pathogenic for SCN1A-related disorder. Last evaluated: 2024-11-19. Review status: criteria provided, single submitter. Criteria: ACMG Guidelines, 2015. Collection method: clinical testing. Allele origin: germline. Affected: yes.
Comment: The variant is not observed in the gnomAD v4.1.0 dataset. Predicted Consequence/Location: Missense variant In silico tool predictions suggest damaging effect of the variant on gene or gene product [REVEL: 0.93 (>=0.6, sensitivity 0.68 and specificity 0.92); 3Cnet: 0.99 (>=0.6, sensitivity 0.72 and precision 0.9)]. The same nucleotide change resulting in the same amino acid change has been previously reported to be associated with SCN1A related disorder (ClinVar ID: VCV001343886). A different missense change at the same codon (p.Ile1867Thr) has been reported as pathogenic/likely pathogenic with strong evidence (ClinVar ID: VCV000430087 /PMID: 18251839). Therefore, this variant is classified as Likely pathogenic according to the recommendation of ACMG/AMP guideline.

GeneDx
Classification: Likely pathogenic. Last evaluated: 2022-02-28. Review status: criteria provided, single submitter. Criteria: GeneDx Variant Classification Process June 2021. Collection method: clinical testing. Allele origin: germline. Affected: yes.
Comment: Not observed at significant frequency in large population cohorts (gnomAD); Missense variants in this gene are often considered pathogenic (HGMD); In silico analysis supports that this missense variant has a deleterious effect on protein structure/function; Has not been previously published as pathogenic or benign to our knowledge; This substitution is predicted to be within the C-terminal cytoplasmic domain

Literature cited by the submitters: PubMed 18251839 (cited by 3billion).